The following is an entry in ClinVar:

NM_014679.5(CEP57):c.907G>T (p.Val303Leu)

Gene: CEP57 (centrosomal protein 57; plus strand). Cytogenetic location: 11q21.
Variant type: single nucleotide variant.
Coding change: c.907G>T on transcript NM_014679.5 (MANE Select); coding-DNA position 907, G replaced by T.
Protein change: p.Val303Leu; replaces valine 303 with leucine.
Molecular consequence: missense variant.
Genome position (GRCh38, 1-based): chr11:95,827,807, G>T. VCF-style: chr11-95827807-G-T. GRCh37 (hg19) VCF-style: chr11-95560971-G-T.
Other names: c.880G>T, p.Val294Leu (NM_001243776.2); c.829G>T, p.Val277Leu (NM_001243777.2); c.826G>T, p.Val276Leu (NM_001363604.2); short protein forms V277L, V276L, V294L, V303L.
Identifiers: ClinVar variation 4001046 (VCV004001046.1).

ClinVar aggregate classification (germline): Uncertain significance (1 of 4 stars; one submission).

Conditions:
Inborn genetic diseases. Identifiers: MedGen C0950123, MeSH D030342.

gnomAD v4.1: 3 of 1,613,884 alleles (0.00019%); highest among the groups gnomAD compares: African/African-American, 0.0027%; no homozygotes.

Submission:

Ambry Genetics
Classification: Uncertain significance for Inborn genetic diseases. Last evaluated: 2025-05-15. Review status: criteria provided, single submitter. Criteria: Ambry Variant Classification Scheme 2023. Collection method: clinical testing. Allele origin: germline.
Comment: The p.V303L variant (also known as c.907G>T), located in coding exon 9 of the CEP57 gene, results from a G to T substitution at nucleotide position 907. The valine at codon 303 is replaced by leucine, an amino acid with highly similar properties. This amino acid position is conserved. In addition, the in silico prediction for this alteration is inconclusive. Based on the available evidence, the clinical significance of this variant remains unclear.